The following continues an entry in ClinVar:

NM_000051.4(ATM):c.2932T>C (p.Ser978Pro)

Gene: ATM. ClinVar aggregate classification (germline): Benign. Benign (1).

Submissions 15 to 33 of 33:

Women's Health and Genetics/Laboratory Corporation of America, LabCorp
Classification: Benign. Last evaluated: 2021-07-26. Review status: criteria provided, single submitter. Criteria: LabCorp Variant Classification Summary - May 2015. Collection method: clinical testing. Allele origin: germline. Not counted in ClinVar's aggregate classification.
Comment: Variant summary: ATM c.2932T>C (p.Ser978Pro) results in a non-conservative amino acid change in the encoded protein sequence. Five of five in-silico tools predict a damaging effect of the variant on protein function. The variant allele was found at a frequency of 0.00092 in 266408 control chromosomes, predominantly at a frequency of 0.0049 within the South Asian subpopulation in the gnomAD database, including 2 homozygotes. The observed variant frequency within South Asian control individuals in the gnomAD database is approximately 1.24 fold of the estimated maximal expected allele frequency for a pathogenic variant in ATM causing Ataxia-Telangiectasia phenotype (0.004), strongly suggesting that the variant is a benign polymorphism found primarily in populations of South Asian origin. Furthermore, it has also been reported among five individuals who are cancer free at age 70 in the FLOSSIES database. This variant has been reported in multiple affected individuals with classical AT, classical Hodgkins lymphoma, B-NHL, BrC, CRC etc. Among them the one patient with classical AT also carried another ATM variant c.8395-8404del10, and no residual ATM activity was detected via western blot in this patient sample and only about 10% expressed ATM protein detected compared to WT (Carney_2012). However, the possibility of an undetected second variant causing AT in this patient cannot be ruled out. A study evaluating the Rate Ratio of asynchronous contralateral breast cancer associated with ATM gene mutation carrier status found a non-statistically significant risk of contralateral breast cancer for missense variants in the ATM gene (RR 1.2, 95% CI = 0.8 to 1.7) (Bernstein_2010). This low RR and a 95% CI overlapping 1.0 indicate very little confidence in the assertion of association with breast cancer. Subsequently, this variant has been reported in cases and in controls by other studies (example, Dorling_2021). Multiple ClinVar submitters (evaluation after 2014) cite the variant as uncertain significance (n=4), likely benign (n=4) and benign (n=5). Based on the evidence outlined above, and the emerging peer consensus, the variant was classified as benign.

Sema4
Classification: Likely benign for Hereditary cancer-predisposing syndrome. Last evaluated: 2021-06-01. Review status: criteria provided, single submitter. Criteria: Sema4 Curation Guidelines. Collection method: curation. Allele origin: germline. Not counted in ClinVar's aggregate classification.

Genetic Services Laboratory, University of Chicago
Classification: Likely benign. Last evaluated: 2021-05-24. Review status: criteria provided, single submitter. Criteria: ACMG Guidelines, 2015. Collection method: clinical testing. Allele origin: germline. Affected: no. Not counted in ClinVar's aggregate classification.

ARUP Laboratories, Molecular Genetics and Genomics, ARUP Laboratories
Classification: Likely benign. Last evaluated: 2020-03-20. Review status: criteria provided, single submitter. Criteria: ARUP Molecular Germline Variant Investigation Process. Collection method: clinical testing. Allele origin: germline. Not counted in ClinVar's aggregate classification.

Athena Diagnostics
Classification: Benign. Last evaluated: 2019-07-18. Review status: criteria provided, single submitter. Criteria: Athena Diagnostics Criteria. Collection method: clinical testing. Allele origin: germline. Not counted in ClinVar's aggregate classification.

GeneKor MSA
Classification: Uncertain significance for Hereditary cancer-predisposing syndrome. Last evaluated: 2018-08-01. Review status: criteria provided, single submitter. Criteria: ACMG Guidelines, 2015. Collection method: clinical testing. Allele origin: germline. Affected: yes. Not counted in ClinVar's aggregate classification.

Ambry Genetics
Classification: Benign for Hereditary cancer-predisposing syndrome. Last evaluated: 2017-10-19. Review status: criteria provided, single submitter. Criteria: Ambry Variant Classification Scheme 2023. Collection method: clinical testing. Allele origin: germline. Not counted in ClinVar's aggregate classification.

GeneDx
Classification: Benign. Last evaluated: 2017-05-17. Review status: criteria provided, single submitter. Criteria: GeneDx Variant Classification (06012015). Collection method: clinical testing. Allele origin: germline. Affected: yes. Not counted in ClinVar's aggregate classification.
Comment: This variant is considered likely benign or benign based on one or more of the following criteria: it is a conservative change, it occurs at a poorly conserved position in the protein, it is predicted to be benign by multiple in silico algorithms, and/or has population frequency not consistent with disease.

Illumina Laboratory Services, Illumina
Classification: Uncertain significance for Ataxia-telangiectasia syndrome. Last evaluated: 2017-04-27. Review status: criteria provided, single submitter. Criteria: ICSL Variant Classification Criteria 13 December 2019. Collection method: clinical testing. Allele origin: germline. Not counted in ClinVar's aggregate classification.

Eurofins Ntd Llc (ga)
Classification: Likely benign. Last evaluated: 2016-07-22. Review status: criteria provided, single submitter. Criteria: EGL Classification Definitions 2015. Collection method: clinical testing. Allele origin: germline. Observed: 1 variant allele, 1 heterozygote. Not counted in ClinVar's aggregate classification.

Color Diagnostics, LLC DBA Color Health
Classification: Benign for Hereditary cancer-predisposing syndrome. Last evaluated: 2015-03-05. Review status: criteria provided, single submitter. Criteria: ACMG Guidelines, 2015. Collection method: clinical testing. Allele origin: germline. Not counted in ClinVar's aggregate classification.

Natera, Inc.
Classification: Uncertain significance for Ataxia-telangiectasia. Last evaluated: 2020-01-09. Review status: no assertion criteria provided. Collection method: clinical testing. Allele origin: germline. Not counted in ClinVar's aggregate classification.

Counsyl
Classification: Likely benign for Ataxia-telangiectasia syndrome. Last evaluated: 2017-08-17. Review status: no assertion criteria provided. Collection method: clinical testing. Allele origin: unknown. Not counted in ClinVar's aggregate classification.

Clinical Genetics DNA and cytogenetics Diagnostics Lab, Erasmus MC, Erasmus Medical Center
Classification: Uncertain significance. Review status: no assertion criteria provided. Collection method: clinical testing. Allele origin: germline. Affected: yes. Study: VKGL Data-share Consensus. Not counted in ClinVar's aggregate classification.

Clinical Genetics, Academic Medical Center
Classification: Uncertain significance. Review status: no assertion criteria provided. Collection method: clinical testing. Allele origin: germline. Affected: yes. Study: VKGL Data-share Consensus. Not counted in ClinVar's aggregate classification.

Department of Pathology and Laboratory Medicine, Sinai Health System
Classification: Likely benign for Malignant tumor of breast. Review status: no assertion criteria provided. Collection method: clinical testing. Allele origin: unknown. Affected: yes. Study: The Canadian Open Genetics Repository (COGR). Not counted in ClinVar's aggregate classification.
Comment: The ATM p.Ser978Pro variant was identified in 10 of 9598 proband chromosomes (frequency: 0.001) from individuals or families with HBOC, Hereditary Diffuse Gastric Cancer (HDGC), Non-Hodgkinâ€šÃ„Ã´s lymphoma, Ataxia Telangiectasia (AT), or high risk cancer, and was not identified in 168 control chromosomes from healthy individuals (Yurgelun 2015, Caminsky 2016, Castera 2014, Hansford 2015, Maxwell 2016, Bernstein 2010, Gumy Pause 2006, Carney 2012). The variant co-occurred with an ATM variant (c.8395_8404del) in an AT patient whose residual ATM protein expression level was found to be 10% (Carney 2012). The variant was also identified in dbSNP (ID: rs139552233) â€šÃ„ÃºWith other alleleâ€šÃ„Ã¹ and ClinVar (classified as benign by GeneDx, Invitae and Ambry Genetics; as likely benign by EGL Genetic Diagnostics and Counsyl; and as uncertain significance by Praxis fuer Humangentik Tuebingen and Integrated Genetics/Laboratory Corp. of America). The variant was not identified in LOVD 3.0. The variant was identified in control databases in 248 of 277020 chromosomes (2 homozygous) at a frequency of 0.0009, increasing the likelihood this could be a low frequency benign variant (Genome Aggregation Database Feb 27, 2017). The variant was observed in the following populations: South Asian in 154 (2 homozygous) of 30778 chromosomes (freq: 0.005), Other in 6 of 6456 chromosomes (freq: 0.0009), Latino in 4 of 34408 chromosomes (freq: 0.0001), and European Non-Finnish in 84 of 126608 chromosomes (freq: 0.0007), while it was not observed in the African, Ashkenazi Jewish, East Asian or Finnish populations. The p.Ser978Pro is located in the âˆšÃ¼-adaptin binding domain and the p.Ser978 residue is conserved across mammals and other organisms; 5 of 5 computational analyses (PolyPhen-2, SIFT, AlignGVGD, BLOSUM, MutationTaster) suggest that the variant may impact the protein; however, this information is not predictive enough to assume pathogenicity. The variant occurs outside of the splicing consensus sequence and only 1 of 4 in silico or computational prediction software programs (SpliceSiteFinder, MaxEntScan, NNSPLICE, GeneSplicer) predict a greater than 10% difference in splicing; this is not very predictive of pathogenicity. In summary, based on the above information, the clinical significance of this variant cannot be determined with certainty at this time although we would lean towards a more benign role for this variant. This variant is classified as likely benign.

Diagnostic Laboratory, Department of Genetics, University Medical Center Groningen
Classification: Uncertain significance. Review status: no assertion criteria provided. Collection method: clinical testing. Allele origin: germline. Affected: yes. Study: VKGL Data-share Consensus. Not counted in ClinVar's aggregate classification.

Joint Genome Diagnostic Labs from Nijmegen and Maastricht, Radboudumc and MUMC+
Classification: Uncertain significance. Review status: no assertion criteria provided. Collection method: clinical testing. Allele origin: germline. Affected: yes. Study: VKGL Data-share Consensus. Not counted in ClinVar's aggregate classification.

Laboratory of Diagnostic Genome Analysis, Leiden University Medical Center (LUMC)
Classification: Uncertain significance. Review status: no assertion criteria provided. Collection method: clinical testing. Allele origin: germline. Affected: yes. Study: VKGL Data-share Consensus. Not counted in ClinVar's aggregate classification.

Literature cited by the submitters: PubMed 25085752 (cited by Myriad Genetics, Inc.); PubMed 28503720 (cited by 3 submitters); PubMed 30306255 (cited by Quest Diagnostics Nichols Institute San Juan Capistrano and Athena Diagnostics); PubMed 24549055 (cited by 5 submitters); PubMed 22649200 (cited by 5 submitters); PubMed 19781682 (cited by 3 submitters); PubMed 12917204 (cited by Quest Diagnostics Nichols Institute San Juan Capistrano and Athena Diagnostics); PubMed 21787400 (cited by Quest Diagnostics Nichols Institute San Juan Capistrano and Athena Diagnostics); PubMed 26898890 (cited by 3 submitters); PubMed 25587027 (cited by 3 submitters); PubMed 16631465 (cited by 3 submitters); PubMed 25980754 (cited by 4 submitters); PubMed 27153395 (cited by 3 submitters); PubMed 34271781 (cited by Quest Diagnostics Nichols Institute San Juan Capistrano); PubMed 35717579 (cited by Quest Diagnostics Nichols Institute San Juan Capistrano); PubMed 20305132 (cited by Women's Health and Genetics/Laboratory Corporation of America, LabCorp); PubMed 17876757 (cited by Women's Health and Genetics/Laboratory Corporation of America, LabCorp); PubMed 28652578 (cited by Women's Health and Genetics/Laboratory Corporation of America, LabCorp); PubMed 30303537 (cited by Women's Health and Genetics/Laboratory Corporation of America, LabCorp); PubMed 31159747 (cited by Women's Health and Genetics/Laboratory Corporation of America, LabCorp); PubMed 31428572 (cited by Women's Health and Genetics/Laboratory Corporation of America, LabCorp); PubMed 32183364 (cited by Women's Health and Genetics/Laboratory Corporation of America, LabCorp).